The following is an entry in ClinVar:

ClinVar aggregate classification (germline): Uncertain significance. Review status: criteria provided, multiple submitters, no conflicts (2 of 4 stars). 4 submissions from 4 submitters: Uncertain significance (3). 1 of the submissions does not count toward it. Last evaluated 2025-10-27.

Conditions:
Ehlers-Danlos syndrome, dermatosparaxis type. Also called: Ehlers-Danlos syndrome, type VII, autosomal recessive; EDS VIIC; Dermatosparaxis. Identifiers: Orphanet 1901, MedGen C2700425, MONDO:0009161, OMIM 225410.

Allele frequency attached by ClinVar (database versions not stated): gnomAD exomes 0.00002; TOPMed 0.00002; gnomAD 0.00003.

Submissions (4):

GeneDx
Classification: Uncertain significance. Last evaluated: 2025-10-27. Review status: criteria provided, single submitter. Criteria: GeneDx Variant Classification Process June 2021. Collection method: clinical testing. Allele origin: germline. Affected: yes.
Comment: Not observed at significant frequency in large population cohorts (gnomAD); In silico analysis supports that this missense variant has a deleterious effect on protein structure/function; Has not been previously published as pathogenic or benign to our knowledge

Blueprint Genetics
Classification: Uncertain significance. Last evaluated: 2022-12-27. Review status: criteria provided, single submitter. Criteria: ACMG Guidelines, 2015. Collection method: clinical testing. Allele origin: germline.

Labcorp Genetics (formerly Invitae), Labcorp
Classification: Uncertain significance for Ehlers-Danlos syndrome, dermatosparaxis type. Last evaluated: 2022-09-07. Review status: criteria provided, single submitter. Criteria: Invitae Variant Classification Sherloc (09022015). Collection method: clinical testing. Allele origin: germline.
Comment: This sequence change replaces arginine, which is basic and polar, with histidine, which is basic and polar, at codon 258 of the ADAMTS2 protein (p.Arg258His). This variant is present in population databases (no rsID available, gnomAD 0.01%). This variant has not been reported in the literature in individuals affected with ADAMTS2-related conditions. ClinVar contains an entry for this variant (Variation ID: 392617). Algorithms developed to predict the effect of missense changes on protein structure and function (SIFT, PolyPhen-2, Align-GVGD) all suggest that this variant is likely to be disruptive. In summary, the available evidence is currently insufficient to determine the role of this variant in disease. Therefore, it has been classified as a Variant of Uncertain Significance.

Natera, Inc.
Classification: Uncertain significance for Ehlers-Danlos syndrome type VIIC. Last evaluated: 2019-10-28. Review status: no assertion criteria provided. Collection method: clinical testing. Allele origin: germline. Not counted in ClinVar's aggregate classification.

NM_014244.5(ADAMTS2):c.773G>A (p.Arg258His)

Gene: ADAMTS2 (ADAM metallopeptidase with thrombospondin type 1 motif 2; minus strand). Cytogenetic location: 5q35.3.
Variant type: single nucleotide variant.
Coding change: c.773G>A on transcript NM_014244.5 (MANE Select); coding-DNA position 773, G replaced by A.
Protein change: p.Arg258His; replaces arginine 258 with histidine.
Molecular consequence: missense variant.
Genome position (GRCh38, 1-based): chr5:179,207,631, C>T on the plus strand (G>A on the coding strand, the complement: ADAMTS2 is on the minus strand). VCF-style: chr5-179207631-C-T. GRCh37 (hg19) VCF-style: chr5-178634632-C-T.
Other names: c.773G>A, p.Arg258His (NM_021599.4); short protein forms R258H.
Identifiers: ClinVar variation 392617 (VCV000392617.7), dbSNP rs1057524562, ClinGen allele CA16604885.